The following is an entry in ClinVar:

ClinVar aggregate classification (germline): Pathogenic. Review status: criteria provided, multiple submitters, no conflicts (2 of 4 stars). 5 submissions from 5 submitters: Pathogenic (5). Last evaluated 2026-01-16.

Conditions:
Hereditary cancer-predisposing syndrome. Also called: Tumor predisposition; Hereditary Cancer Syndrome; Hereditary neoplastic syndrome; Neoplastic Syndromes, Hereditary. Identifiers: Orphanet 140162, MedGen C0027672, MeSH D009386, MONDO:0015356.
Hereditary nonpolyposis colorectal neoplasms. Identifiers: MedGen C0009405, MeSH D003123.
Lynch syndrome 4 (LYNCH4). Also called: Colorectal cancer, hereditary nonpolyposis, type 4; Hereditary non-polyposis colorectal cancer, type 4. Identifiers: Orphanet 144, MedGen C1838333, MONDO:0013699, OMIM 614337. Disease mechanism: loss of function.

Submissions (5):

Labcorp Genetics (formerly Invitae), Labcorp
Classification: Pathogenic for Hereditary nonpolyposis colorectal neoplasms. Last evaluated: 2026-01-16. Review status: criteria provided, single submitter. Criteria: Invitae Variant Classification Sherloc (09022015). Collection method: clinical testing. Allele origin: germline.
Comment: This sequence change creates a premature translational stop signal (p.Gln631*) in the PMS2 gene. It is expected to result in an absent or disrupted protein product. Loss-of-function variants in PMS2 are known to be pathogenic (PMID: 21376568, 24362816). This variant is not present in population databases (gnomAD no frequency). This variant has not been reported in the literature in individuals affected with PMS2-related conditions. ClinVar contains an entry for this variant (Variation ID: 411061). Algorithms developed to predict the effect of sequence changes on RNA splicing suggest that this variant may disrupt the consensus splice site. For these reasons, this variant has been classified as Pathogenic.

Quest Diagnostics Nichols Institute San Juan Capistrano
Classification: Pathogenic. Last evaluated: 2025-04-28. Review status: criteria provided, single submitter. Criteria: Quest Diagnostics criteria. Collection method: clinical testing. Allele origin: unknown.
Comment: The PMS2 c.1891C>T (p.Gln631*) variant causes the premature termination of PMS2 protein synthesis. In the published literature, this variant has been reported in an individual with constitutional mismatch repair deficiency (CMMRD) syndrome, and shown to cause significantly reduced DNA repair activity in vitro (PMID: 30608896 (2019)). This variant has not been reported in large, multi-ethnic general populations (Genome Aggregation Database). Based on the available information, this variant is classified as pathogenic.

Ambry Genetics
Classification: Pathogenic for Hereditary cancer-predisposing syndrome. Last evaluated: 2024-04-16. Review status: criteria provided, single submitter. Criteria: Ambry Variant Classification Scheme 2023. Collection method: clinical testing. Allele origin: germline.
Comment: The p.Q631* pathogenic mutation (also known as c.1891C>T), located in coding exon 11 of the PMS2 gene, results from a C to T substitution at nucleotide position 1891. This changes the amino acid from a glutamine to a stop codon within coding exon 11. This variant has been identified in the homozygous state and/or in conjunction with other PMS2 variant(s) in individual(s) with features consistent with PMS2-related constitutional mismatch repair deficiency (Shuen AY et al. J Clin Oncol, 2019 Feb;37:461-470). This variant is considered to be rare based on population cohorts in the Genome Aggregation Database (gnomAD). In addition to the clinical data presented in the literature, this alteration is expected to result in loss of function by premature protein truncation or nonsense-mediated mRNA decay. As such, this alteration is interpreted as a disease-causing mutation.

Myriad Genetics, Inc.
Classification: Pathogenic for Lynch syndrome 4. Last evaluated: 2023-09-21. Review status: criteria provided, single submitter. Criteria: Myriad Autosomal Dominant, Autosomal Recessive and X-Linked Classification Criteria (2023). Collection method: clinical testing. Allele origin: unknown.
Comment: This variant is considered pathogenic. This variant creates a termination codon and is predicted to result in premature protein truncation.

PreventionGenetics, part of Exact Sciences
Classification: Pathogenic. Last evaluated: 2016-11-02. Review status: criteria provided, single submitter. Criteria: ACMG Guidelines, 2015. Collection method: clinical testing. Allele origin: germline.

Literature cited by the submitters: PubMed 21376568 (cited by Labcorp Genetics (formerly Invitae), Labcorp); PubMed 24362816 (cited by Labcorp Genetics (formerly Invitae), Labcorp); PubMed 30608896 (cited by Quest Diagnostics Nichols Institute San Juan Capistrano and Ambry Genetics).

NM_000535.7(PMS2):c.1891C>T (p.Gln631Ter)

Gene: PMS2 (PMS1 homolog 2, mismatch repair system component; minus strand). Cytogenetic location: 7p22.1.
Variant type: single nucleotide variant.
Coding change: c.1891C>T on transcript NM_000535.7 (MANE Select); coding-DNA position 1891, C replaced by T.
Protein change: p.Gln631Ter; replaces glutamine 631 with a stop codon.
Molecular consequence: nonsense. On other transcripts: non-coding transcript variant (1).
Genome position (GRCh38, 1-based): chr7:5,986,874, G>A on the plus strand (C>T on the coding strand, the complement: PMS2 is on the minus strand). VCF-style: chr7-5986874-G-A. GRCh37 (hg19) VCF-style: chr7-6026505-G-A.
Other names: c.1486C>T, p.Gln496Ter (NM_001322003.2, NM_001322004.2, NM_001322005.2 and 1 more transcripts); c.1735C>T, p.Gln579Ter (NM_001322006.2); c.1573C>T, p.Gln525Ter (NM_001322007.2, NM_001322008.2); c.1330C>T, p.Gln444Ter (NM_001322010.2); c.958C>T, p.Gln320Ter (NM_001322011.2, NM_001322012.2); c.1318C>T, p.Gln440Ter (NM_001322013.2); c.1891C>T, p.Gln631Ter (NM_001322014.2); c.1582C>T, p.Gln528Ter (NM_001322015.2); and 1 more; short protein forms Q631*, Q444*, Q528*, Q440*, Q496*, Q525*, Q320*, Q579*.
Identifiers: ClinVar variation 411061 (VCV000411061.12), dbSNP rs1060503138, ClinGen allele CA16612391.